The following is an entry in ClinVar:

NM_000465.4(BARD1):c.2321C>T (p.Pro774Leu)

Gene: BARD1 (BRCA1 associated RING domain 1; minus strand). Cytogenetic location: 2q35.
Variant type: single nucleotide variant.
Coding change: c.2321C>T on transcript NM_000465.4 (MANE Select); coding-DNA position 2321, C replaced by T.
Protein change: p.Pro774Leu; replaces proline 774 with leucine.
Molecular consequence: missense variant. On other transcripts: non-coding transcript variant (3).
Genome position (GRCh38, 1-based): chr2:214,728,689, G>A on the plus strand (C>T on the coding strand, the complement: BARD1 is on the minus strand). VCF-style: chr2-214728689-G-A. GRCh37 (hg19) VCF-style: chr2-215593413-G-A.
Other names: c.2264C>T, p.Pro755Leu (NM_001282543.2); c.968C>T, p.Pro323Leu (NM_001282545.2); c.911C>T, p.Pro304Leu (NM_001282548.2); c.782C>T, p.Pro261Leu (NM_001282549.2); c.2321C>T (NM_000465.2); short protein forms P774L, P323L, P755L, P261L, P304L.
Identifiers: ClinVar variation 578473 (VCV000578473.10), dbSNP rs1208217643, ClinGen allele CA350449676.
Genomic context (GRCh38, chr2:214,728,689, plus strand): 5'-TCACAAACCGTGCAAATTCAATTTGAAATGTTCATCTGGTATAATATTCAGCTGTCAAGA[G>A]GAAGCAACTCAAAGGACATCACACAGTCTATAAACCAGCTCGAAGGAGCCTTCCAGACTT-3'
Protein context (NP_000456.2, residues 764-777): IDCVMSFELL[Pro774Leu]LDS

ClinVar aggregate classification (germline): Uncertain significance. Review status: criteria provided, multiple submitters, no conflicts (2 of 4 stars). 2 submissions from 2 submitters: Uncertain significance (2). Last evaluated 2025-07-17.

Conditions:
Hereditary cancer-predisposing syndrome. Also called: Neoplastic Syndromes, Hereditary; Tumor predisposition; Hereditary neoplastic syndrome; Hereditary Cancer Syndrome. Identifiers: Orphanet 140162, MedGen C0027672, MeSH D009386, MONDO:0015356.
Familial cancer of breast. Also called: BREAST CANCER, FAMILIAL; hereditary breast carcinoma; Hereditary breast cancer. Identifiers: Orphanet 227535, MedGen C0346153, MONDO:0016419, OMIM 114480. Disease mechanism: loss of function.

Allele frequency attached by ClinVar (database versions not stated): TOPMed below 0.00001.

Submissions (2):

Labcorp Genetics (formerly Invitae), Labcorp
Classification: Uncertain significance for Familial cancer of breast. Last evaluated: 2025-07-17. Review status: criteria provided, single submitter. Criteria: Invitae Variant Classification Sherloc (09022015). Collection method: clinical testing. Allele origin: germline.
Comment: This sequence change replaces proline, which is neutral and non-polar, with leucine, which is neutral and non-polar, at codon 774 of the BARD1 protein (p.Pro774Leu). This variant is not present in population databases (gnomAD no frequency). This variant has not been reported in the literature in individuals affected with BARD1-related conditions. ClinVar contains an entry for this variant (Variation ID: 578473). An algorithm developed to predict the effect of missense changes on protein structure and function (PolyPhen-2) suggests that this variant is likely to be disruptive. In summary, the available evidence is currently insufficient to determine the role of this variant in disease. Therefore, it has been classified as a Variant of Uncertain Significance.

Ambry Genetics
Classification: Uncertain significance for Hereditary cancer-predisposing syndrome. Last evaluated: 2024-04-19. Review status: criteria provided, single submitter. Criteria: Ambry Variant Classification Scheme 2023. Collection method: clinical testing. Allele origin: germline.
Comment: The p.P774L variant (also known as c.2321C>T), located in coding exon 11 of the BARD1 gene, results from a C to T substitution at nucleotide position 2321. The proline at codon 774 is replaced by leucine, an amino acid with similar properties. This amino acid position is conserved. In addition, the in silico prediction for this alteration is inconclusive. Based on the available evidence, the clinical significance of this variant remains unclear.